The following is an entry in ClinVar:

ClinVar aggregate classification (germline): Benign/Likely benign. Review status: criteria provided, multiple submitters, no conflicts (2 of 4 stars). 2 submissions from 2 submitters: Benign (1); Likely benign (1). Last evaluated 2024-05-08.

Conditions:
Aculeiform cataract (CTRCT4). Also called: Fasciculiform cataract; Frosted cataract; Needle-shaped cataract. Identifiers: MedGen C1861832, HP:0010926.
Cataract 4 multiple types. Also called: CATARACT 4, PUNCTATE; CATARACT 4, CRYSTALLINE; CATARACT 4, CENTRAL NUCLEAR; CATARACT 4, NONNUCLEAR POLYMORPHIC CONGENITAL; CATARACT 4, ACULEIFORM; CATARACT 4 WITH MICROCORNEA. Identifiers: Orphanet 1377, MedGen C3540850, MONDO:0007281, OMIM 115700.

Allele frequency attached by ClinVar (database versions not stated): gnomAD 0.00014; TOPMed 0.00015; ExAC 0.00018; ESP Exome Variant Server 0.00024.
gnomAD v4.1: 57 of 1,579,394 alleles (0.0036%); highest among the groups gnomAD compares: Middle Eastern, 0.068%; 1 homozygote.

Submissions (2):

Labcorp Genetics (formerly Invitae), Labcorp
Classification: Likely benign for Aculeiform cataract. Last evaluated: 2024-05-08. Review status: criteria provided, single submitter. Criteria: Invitae Variant Classification Sherloc (09022015). Collection method: clinical testing. Allele origin: germline.

Illumina Laboratory Services, Illumina
Classification: Benign for Cataract 4 multiple types. Last evaluated: 2018-01-12. Review status: criteria provided, single submitter. Criteria: ICSL Variant Classification Criteria 13 December 2019. Collection method: clinical testing. Allele origin: germline.
Comment: This variant was observed in the ICSL laboratory as part of a predisposition screen in an ostensibly healthy population. It had not been previously curated by ICSL or reported in the Human Gene Mutation Database (HGMD: prior to June 1st, 2018), and was therefore a candidate for classification through an automated scoring system. Utilizing variant allele frequency, disease prevalence and penetrance estimates, and inheritance mode, an automated score was calculated to assess if this variant is too frequent to cause the disease. Based on the score and internal cut-off values, a variant classified as benign is not then subjected to further curation. The score for this variant resulted in a classification of benign for this disease.

NM_006891.4(CRYGD):c.9+15C>T

Genes: CRYGD (crystallin gamma D; minus strand), LOC100507443 (uncharacterized LOC100507443; plus strand). Cytogenetic location: 2q33.3.
Variant type: single nucleotide variant.
Coding change: c.9+15C>T on transcript NM_006891.4 (MANE Select); 15 bases into the intron after coding-DNA position 9, C replaced by T.
Molecular consequence: intron variant.
Genome position (GRCh38, 1-based): chr2:208,124,450, G>A on the plus strand (C>T on the coding strand, the complement: CRYGD is on the minus strand). VCF-style: chr2-208124450-G-A. GRCh37 (hg19) VCF-style: chr2-208989174-G-A.
Identifiers: ClinVar variation 898331 (VCV000898331.6), dbSNP rs368318772, ClinGen allele CA2077778.